The following is an entry in ClinVar:

NM_001875.5(CPS1):c.3336+4A>G

Gene: CPS1 (carbamoyl-phosphate synthase 1; plus strand). Cytogenetic location: 2q34.
Variant type: single nucleotide variant.
Coding change: c.3336+4A>G on transcript NM_001875.5 (MANE Select); 4 bases into the intron after coding-DNA position 3336, A replaced by G.
Molecular consequence: intron variant.
Genome position (GRCh38, 1-based): chr2:210,648,061, A>G. VCF-style: chr2-210648061-A-G. GRCh37 (hg19) VCF-style: chr2-211512785-A-G.
Other names: c.3336+4A>G (NM_001369257.1, NM_001122633.3); c.3369+4A>G (NM_001369256.1).
Identifiers: ClinVar variation 1420091 (VCV001420091.5), dbSNP rs776401808, ClinGen allele CA2086886.

ClinVar aggregate classification (germline): Uncertain significance (1 of 4 stars; one submission).

Conditions:
Congenital hyperammonemia, type I. Also called: CPS I DEFICIENCY; Carbamoyl-phosphate synthase I deficiency; Carbamoyl phosphate synthetase 1 deficiency; Hyperammonemia due to carbamoyl phosphate synthetase 1 deficiency; CPS 1 deficiency; Carbamyl phosphate synthetase (CPS) deficiency. Identifiers: Orphanet 147, MedGen C4082171, MONDO:0009376, OMIM 237300.

Allele frequency attached by ClinVar (database versions not stated): ExAC 0.00001; gnomAD 0.00001; gnomAD exomes 0.00001; TOPMed 0.00001.
gnomAD v4.1: 6 of 1,613,544 alleles (0.00037%); highest among the groups gnomAD compares: Admixed American, 0.0067%; no homozygotes.

Submission:

Labcorp Genetics (formerly Invitae), Labcorp
Classification: Uncertain significance for Congenital hyperammonemia, type I. Last evaluated: 2024-02-26. Review status: criteria provided, single submitter. Criteria: Invitae Variant Classification Sherloc (09022015). Collection method: clinical testing. Allele origin: germline.
Comment: This sequence change falls in intron 26 of the CPS1 gene. It does not directly change the encoded amino acid sequence of the CPS1 protein. It affects a nucleotide within the consensus splice site. This variant is present in population databases (rs776401808, gnomAD 0.009%). This variant has not been reported in the literature in individuals affected with CPS1-related conditions. ClinVar contains an entry for this variant (Variation ID: 1420091). Variants that disrupt the consensus splice site are a relatively common cause of aberrant splicing (PMID: 17576681, 9536098). Algorithms developed to predict the effect of sequence changes on RNA splicing suggest that this variant may disrupt the consensus splice site. In summary, the available evidence is currently insufficient to determine the role of this variant in disease. Therefore, it has been classified as a Variant of Uncertain Significance.

Literature cited by the submitters: PubMed 17576681; PubMed 9536098.